The following is an entry in ClinVar:

NC_000007.14:g.(?_124863340)_(124863650_?)del

Gene: POT1 (protection of telomeres 1; minus strand). Cytogenetic location: 7q31.33.
Variant type: Deletion.
Identifiers: ClinVar variation 833389 (VCV000833389.7).

ClinVar aggregate classification (germline): Uncertain significance (1 of 4 stars; one submission).

Conditions:
Tumor predisposition syndrome 3 (TPDS3). Also called: Glioma susceptibility 9; LONG TELOMERE SYNDROME, POT1-RELATED; POT1 Tumor Predisposition; Melanoma, cutaneous malignant, susceptibility to, 10. Identifiers: Orphanet 618, MedGen C4014476, MONDO:0014368, OMIM 615848.

Submission:

Labcorp Genetics (formerly Invitae), Labcorp
Classification: Uncertain significance for Tumor predisposition syndrome 3. Last evaluated: 2019-10-14. Review status: criteria provided, single submitter. Criteria: Invitae Variant Classification Sherloc (09022015). Collection method: clinical testing. Allele origin: germline.
Comment: Experimental studies and prediction algorithms are not available or were not evaluated, and the functional significance of this variant is currently unknown. In summary, the available evidence is currently insufficient to determine the role of this variant in disease. Therefore, it has been classified as a Variant of Uncertain Significance. This variant has not been reported in the literature in individuals with POT1-related conditions. This variant is an in-frame deletion of the genomic region encompassing exon 8 of the POT1 gene. It preserves the integrity of the reading frame.